The following is an entry in ClinVar:

NM_003803.4(MYOM1):c.5002G>A (p.Glu1668Lys)

Gene: MYOM1 (myomesin 1; minus strand). Cytogenetic location: 18p11.31.
Variant type: single nucleotide variant.
Coding change: c.5002G>A on transcript NM_003803.4 (MANE Select); coding-DNA position 5002, G replaced by A.
Protein change: p.Glu1668Lys; replaces glutamic acid 1668 with lysine.
Molecular consequence: missense variant.
Genome position (GRCh38, 1-based): chr18:3,067,318, C>T on the plus strand (G>A on the coding strand, the complement: MYOM1 is on the minus strand). VCF-style: chr18-3067318-C-T. GRCh37 (hg19) VCF-style: chr18-3067316-C-T.
Other names: c.4714G>A, p.Glu1572Lys (NM_019856.2); short protein forms E1668K, E1572K.
Identifiers: ClinVar variation 946426 (VCV000946426.11), dbSNP rs2078907224, ClinGen allele CA401704818.

ClinVar aggregate classification (germline): Uncertain significance. Review status: criteria provided, multiple submitters, no conflicts (2 of 4 stars). 2 submissions from 2 submitters: Uncertain significance (2). Last evaluated 2025-10-23.

Conditions:
Hypertrophic cardiomyopathy. Also called: HYPERTROPHIC MYOCARDIOPATHY. Identifiers: Orphanet 217569, MedGen C0007194, MeSH D002312, MONDO:0005045, HP:0001639.

Allele frequency attached by ClinVar (database versions not stated): TOPMed below 0.00001.

Submissions (2):

Ambry Genetics
Classification: Uncertain significance. Last evaluated: 2025-10-23. Review status: criteria provided, single submitter. Criteria: Ambry Variant Classification Scheme 2023. Collection method: clinical testing. Allele origin: germline.
Comment: The p.E1668K variant (also known as c.5002G>A), located in coding exon 37 of the MYOM1 gene, results from a G to A substitution at nucleotide position 5002. The glutamic acid at codon 1668 is replaced by lysine, an amino acid with similar properties. This amino acid position is conserved. In addition, this alteration is predicted to be tolerated by in silico analysis. Based on the available evidence, the clinical significance of this variant remains unclear.

Labcorp Genetics (formerly Invitae), Labcorp
Classification: Uncertain significance for Hypertrophic cardiomyopathy. Last evaluated: 2022-09-13. Review status: criteria provided, single submitter. Criteria: Invitae Variant Classification Sherloc (09022015). Collection method: clinical testing. Allele origin: germline.
Comment: In summary, the available evidence is currently insufficient to determine the role of this variant in disease. Therefore, it has been classified as a Variant of Uncertain Significance. Advanced modeling of protein sequence and biophysical properties (such as structural, functional, and spatial information, amino acid conservation, physicochemical variation, residue mobility, and thermodynamic stability) performed at Invitae indicates that this missense variant is not expected to disrupt MYOM1 protein function. ClinVar contains an entry for this variant (Variation ID: 946426). This variant has not been reported in the literature in individuals affected with MYOM1-related conditions. This variant is not present in population databases (gnomAD no frequency). This sequence change replaces glutamic acid, which is acidic and polar, with lysine, which is basic and polar, at codon 1668 of the MYOM1 protein (p.Glu1668Lys).